The following is an entry in ClinVar:

NM_005045.4(RELN):c.2349C>A (p.Ser783Arg)

Gene: RELN (reelin; minus strand). Cytogenetic location: 7q22.1.
Variant type: single nucleotide variant.
Coding change: c.2349C>A on transcript NM_005045.4 (MANE Select); coding-DNA position 2349, C replaced by A.
Protein change: p.Ser783Arg; replaces serine 783 with arginine.
Molecular consequence: missense variant.
Genome position (GRCh38, 1-based): chr7:103,635,541, G>T on the plus strand (C>A on the coding strand, the complement: RELN is on the minus strand). VCF-style: chr7-103635541-G-T. GRCh37 (hg19) VCF-style: chr7-103275988-G-T.
Other names: c.2349C>A, p.Ser783Arg (NM_173054.3); short protein forms S783R.
Identifiers: ClinVar variation 2135090 (VCV002135090.4), dbSNP rs748131788, ClinGen allele CA368760192.

ClinVar aggregate classification (germline): Uncertain significance (1 of 4 stars; one submission).

Conditions:
Norman-Roberts syndrome (LIS2). Also called: Lissencephaly 2 (Norman-Roberts type). Identifiers: Orphanet 89844, MedGen C0796089, MONDO:0009760, OMIM 257320.
Familial temporal lobe epilepsy 7. Identifiers: Orphanet 101046, MedGen C4225327, MONDO:0014639, OMIM 616436.

Submission:

Labcorp Genetics (formerly Invitae), Labcorp
Classification: Uncertain significance for Familial temporal lobe epilepsy 7; Norman-Roberts syndrome. Last evaluated: 2022-05-07. Review status: criteria provided, single submitter. Criteria: Invitae Variant Classification Sherloc (09022015). Collection method: clinical testing. Allele origin: germline.
Comment: In summary, the available evidence is currently insufficient to determine the role of this variant in disease. Therefore, it has been classified as a Variant of Uncertain Significance. Algorithms developed to predict the effect of missense changes on protein structure and function are either unavailable or do not agree on the potential impact of this missense change (SIFT: "Deleterious"; PolyPhen-2: "Possibly Damaging"; Align-GVGD: "Class C0"). This variant has not been reported in the literature in individuals affected with RELN-related conditions. This variant is not present in population databases (gnomAD no frequency). This sequence change replaces serine, which is neutral and polar, with arginine, which is basic and polar, at codon 783 of the RELN protein (p.Ser783Arg).